The following is an entry in ClinVar:

ClinVar aggregate classification (germline): Uncertain significance. Review status: criteria provided, multiple submitters, no conflicts (2 of 4 stars). 2 submissions from 2 submitters: Uncertain significance (2). Last evaluated 2022-08-10.

gnomAD v4.1: 10 of 1,207,790 alleles (0.00083%); highest among the groups gnomAD compares: South Asian, 0.0035%; no homozygotes.

Submissions (2):

Labcorp Genetics (formerly Invitae), Labcorp
Classification: Uncertain significance. Last evaluated: 2022-08-10. Review status: criteria provided, single submitter. Criteria: Invitae Variant Classification Sherloc (09022015). Collection method: clinical testing. Allele origin: germline.
Comment: This sequence change replaces arginine, which is basic and polar, with cysteine, which is neutral and slightly polar, at codon 3 of the RS1 protein (p.Arg3Cys). This variant is present in population databases (rs571944937, gnomAD 0.02%). This variant has not been reported in the literature in individuals affected with RS1-related conditions. ClinVar contains an entry for this variant (Variation ID: 1304685). Advanced modeling of protein sequence and biophysical properties (such as structural, functional, and spatial information, amino acid conservation, physicochemical variation, residue mobility, and thermodynamic stability) performed at Invitae indicates that this missense variant is not expected to disrupt RS1 protein function. In summary, the available evidence is currently insufficient to determine the role of this variant in disease. Therefore, it has been classified as a Variant of Uncertain Significance.

GeneDx
Classification: Uncertain significance. Last evaluated: 2019-11-07. Review status: criteria provided, single submitter. Criteria: GeneDx Variant Classification Process June 2021. Collection method: clinical testing. Allele origin: germline. Affected: yes.
Comment: In silico analysis, which includes protein predictors and evolutionary conservation, supports that this variant does not alter protein structure/function; Has not been previously published as pathogenic or benign to our knowledge

NM_000330.4(RS1):c.7C>T (p.Arg3Cys)

Gene: RS1 (retinoschisin 1; minus strand). Cytogenetic location: Xp22.13.
Variant type: single nucleotide variant.
Coding change: c.7C>T on transcript NM_000330.4 (MANE Select); coding-DNA position 7, C replaced by T.
Protein change: p.Arg3Cys; replaces arginine 3 with cysteine.
Molecular consequence: missense variant.
Genome position (GRCh38, 1-based): chrX:18,672,062, G>A on the plus strand (C>T on the coding strand, the complement: RS1 is on the minus strand). VCF-style: chrX-18672062-G-A. GRCh37 (hg19) VCF-style: chrX-18690182-G-A.
Other names: short protein forms R3C.
Identifiers: ClinVar variation 1304685 (VCV001304685.6), dbSNP rs571944937, ClinGen allele CA10360838.
Genomic context (GRCh38, chrX:18,672,062, plus strand): 5'-TTGAATAGCACATACCTTCATAGCCAAAGAGAAGTAATAACAAAAAGCCTTCTATCTTGC[G>A]TGACATCTTCCCCTCGTCCTCGGCCAAAGCTCTACCTTACTGAACTGGAGAGCTGGCCCA-3'
Protein context (NP_000321.1, residues 1-13): MS[Arg3Cys]KIEGFLLLLL